The following is an entry in ClinVar:

NM_001042413.2(GLIS3):c.1306T>G (p.Phe436Val)

Gene: GLIS3 (GLIS family zinc finger 3; minus strand). Cytogenetic location: 9p24.2.
Variant type: single nucleotide variant.
Coding change: c.1306T>G on transcript NM_001042413.2 (MANE Select); coding-DNA position 1306, T replaced by G.
Protein change: p.Phe436Val; replaces phenylalanine 436 with valine.
Molecular consequence: missense variant.
Genome position (GRCh38, 1-based): chr9:4,118,172, A>C on the plus strand (T>G on the coding strand, the complement: GLIS3 is on the minus strand). VCF-style: chr9-4118172-A-C. GRCh37 (hg19) VCF-style: chr9-4118172-A-C.
Other names: c.841T>G (NM_152629.3); c.1306T>G (NM_001042413.1); c.841T>G, p.Phe281Val (NM_152629.4); short protein forms F436V, F281V.
Identifiers: ClinVar variation 1910242 (VCV001910242.7), dbSNP rs531886960, ClinGen allele CA4968244.

ClinVar aggregate classification (germline): Uncertain significance. Review status: criteria provided, multiple submitters, no conflicts (2 of 4 stars). 4 submissions from 4 submitters: Uncertain significance (4). Last evaluated 2026-04-08.

Conditions:
Inborn genetic diseases. Identifiers: MedGen C0950123, MeSH D030342.
Neonatal diabetes mellitus with congenital hypothyroidism. Also called: NDH SYNDROME. Identifiers: Orphanet 79118, MedGen C1857775, MONDO:0012436, OMIM 610199.
GLIS3-related disorder. Also called: GLIS3-related condition.

Allele frequency attached by ClinVar (database versions not stated): ExAC 0.00003; gnomAD 0.00008; TOPMed 0.00012; 1000 Genomes Project 30x 0.00031; 1000 Genomes Project 0.00040.
gnomAD v4.1: 32 of 1,567,498 alleles (0.002%); highest among the groups gnomAD compares: African/African-American, 0.031%; no homozygotes.

Submissions (4):

PreventionGenetics, part of Exact Sciences
Classification: Uncertain significance for GLIS3-related condition. Last evaluated: 2026-04-08. Review status: criteria provided, single submitter. Criteria: ACMG Guidelines, 2015. Collection method: clinical testing. Allele origin: germline.
Comment: The GLIS3 c.1306T>G variant is predicted to result in the amino acid substitution p.Phe436Val. To our knowledge, this variant has not been reported in the literature. This variant is reported in 0.040% of alleles in individuals of African descent in gnomAD. At this time, the clinical significance of this variant is uncertain due to the absence of conclusive functional and genetic evidence.

Ambry Genetics
Classification: Uncertain significance for Inborn genetic diseases. Last evaluated: 2025-10-03. Review status: criteria provided, single submitter. Criteria: Ambry Variant Classification Scheme 2023. Collection method: clinical testing. Allele origin: germline.

Fulgent Genetics
Classification: Uncertain significance for Neonatal diabetes mellitus with congenital hypothyroidism. Last evaluated: 2024-02-02. Review status: criteria provided, single submitter. Criteria: ACMG Guidelines, 2015. Collection method: clinical testing. Allele origin: germline.

Labcorp Genetics (formerly Invitae), Labcorp
Classification: Uncertain significance. Last evaluated: 2022-06-17. Review status: criteria provided, single submitter. Criteria: Invitae Variant Classification Sherloc (09022015). Collection method: clinical testing. Allele origin: germline.
Comment: The frequency data for this variant in the population databases is considered unreliable, as metrics indicate poor data quality at this position in the gnomAD database. This sequence change replaces phenylalanine, which is neutral and non-polar, with valine, which is neutral and non-polar, at codon 281 of the GLIS3 protein (p.Phe281Val). This variant has not been reported in the literature in individuals affected with GLIS3-related conditions. In summary, the available evidence is currently insufficient to determine the role of this variant in disease. Therefore, it has been classified as a Variant of Uncertain Significance. Algorithms developed to predict the effect of missense changes on protein structure and function (SIFT, PolyPhen-2, Align-GVGD) all suggest that this variant is likely to be disruptive.